The following is an entry in ClinVar:

NM_005142.3(CBLIF):c.910C>T (p.Pro304Ser)

Gene: CBLIF (cobalamin binding intrinsic factor; minus strand). Cytogenetic location: 11q12.1.
Variant type: single nucleotide variant.
Coding change: c.910C>T on transcript NM_005142.3 (MANE Select); coding-DNA position 910, C replaced by T.
Protein change: p.Pro304Ser; replaces proline 304 with serine.
Molecular consequence: missense variant.
Genome position (GRCh38, 1-based): chr11:59,835,971, G>A on the plus strand (C>T on the coding strand, the complement: CBLIF is on the minus strand). VCF-style: chr11-59835971-G-A. GRCh37 (hg19) VCF-style: chr11-59603444-G-A.
Other names: p.Pro304Ser; short protein forms P304S.
Identifiers: ClinVar variation 305032 (VCV000305032.18), dbSNP rs150926439, ClinGen allele CA6021452.

ClinVar aggregate classification (germline): Conflicting classifications of pathogenicity. Review status: criteria provided, conflicting classifications (1 of 4 stars). 5 submissions from 5 submitters: Uncertain significance (2); Likely benign (2). 1 of the submissions does not count toward it. Last evaluated 2026-01-19.

Conditions:
Hereditary intrinsic factor deficiency (IFD). Also called: PERNICIOUS ANEMIA, CONGENITAL, DUE TO DEFECT OF INTRINSIC FACTOR; Congenital intrinsic factor deficiency. Identifiers: Orphanet 332, MedGen C2062370, MONDO:0009852, OMIM 261000.
CBLIF-related disorder. Also called: CBLIF-related condition.

Allele frequency attached by ClinVar (database versions not stated): 1000 Genomes Project 30x 0.00016; 1000 Genomes Project 0.00020; gnomAD 0.00082 and 0.00089; ExAC 0.00091; gnomAD exomes 0.00094 and 0.00112; TOPMed 0.00102; ESP Exome Variant Server 0.00123.

Submissions (5):

Labcorp Genetics (formerly Invitae), Labcorp
Classification: Likely benign for Hereditary intrinsic factor deficiency. Last evaluated: 2026-01-19. Review status: criteria provided, single submitter. Criteria: Invitae Variant Classification Sherloc (09022015). Collection method: clinical testing. Allele origin: germline.

Mayo Clinic Laboratories, Mayo Clinic
Classification: Likely benign. Last evaluated: 2025-01-02. Review status: criteria provided, single submitter. Criteria: ACMG Guidelines, 2015. Collection method: clinical testing. Allele origin: germline. Observed: 1 variant allele.
Comment: BS1, BP4_moderate

Ambry Genetics
Classification: Uncertain significance. Last evaluated: 2021-10-18. Review status: criteria provided, single submitter. Criteria: Ambry Variant Classification Scheme 2023. Collection method: clinical testing. Allele origin: germline.

Illumina Laboratory Services, Illumina
Classification: Uncertain significance for Hereditary intrinsic factor deficiency. Last evaluated: 2018-01-13. Review status: criteria provided, single submitter. Criteria: ICSL Variant Classification Criteria 13 December 2019. Collection method: clinical testing. Allele origin: germline.

PreventionGenetics, part of Exact Sciences
Classification: Likely benign for CBLIF-related condition. Last evaluated: 2024-06-02. Review status: no assertion criteria provided. Collection method: clinical testing. Allele origin: germline. Not counted in ClinVar's aggregate classification.
Comment: This variant is classified as likely benign based on ACMG/AMP sequence variant interpretation guidelines (Richards et al. 2015 PMID: 25741868, with internal and published modifications).